The following is an entry in ClinVar:

NM_000152.5(GAA):c.1874_1882del (p.Ala625_Ser627del)

Gene: GAA (alpha glucosidase; plus strand). Cytogenetic location: 17q25.3.
Variant type: Deletion.
Coding change: c.1874_1882del on transcript NM_000152.5 (MANE Select); coding-DNA positions 1874 to 1882, 9 bases deleted (CCTCCTCCG; older notation c.1874_1882delCCTCCTCCG).
Protein change: p.Ala625_Ser627del.
Molecular consequence: inframe deletion.
Genome position (GRCh38, 1-based): chr17:80,112,697-80,112,705, CCTCCTCCG deleted; deleting any 9 consecutive bases within chr17:80,112,695-80,112,705 gives the same sequence; the c. name uses the placement nearest the transcript's 3' end. VCF-style (leftmost placement, unchanged base first): chr17-80112694-TCGCCTCCTC-T. GRCh37 (hg19) VCF-style: chr17-78086493-TCGCCTCCTC-T.
Other names: c.1874_1882del, p.Ala625_Ser627del (NM_001079803.3, NM_001079804.3, NM_001406741.1 and 1 more transcripts).
Identifiers: ClinVar variation 2507031 (VCV002507031.2), dbSNP rs2510381693, ClinGen allele CA2580612683.

ClinVar aggregate classification (germline): Likely pathogenic (1 of 4 stars; one submission).

Conditions:
Glycogen storage disease, type II (IOPD). Also called: Pompe Disease; Glycogen storage disease type 2; Acid maltase deficiency disease; Aglucosidase alfa; Deficiency of alpha-glucosidase; Deficiency of lysosomal alpha-glucosidase. Identifiers: Orphanet 365, MedGen C0017921, MONDO:0009290, OMIM 232300.

Submission:

Institute of Medical Genetics and Genomics, Sir Ganga Ram Hospital
Classification: Likely pathogenic for Glycogen storage disease, type II. Last evaluated: 2023-07-02. Review status: criteria provided, single submitter. Criteria: ACMG Guidelines, 2015. Collection method: clinical testing. Allele origin: germline. Inheritance: Autosomal recessive inheritance. Affected: yes. Observed: 1 homozygote.